The following is an entry in ClinVar:

ClinVar aggregate classification (germline): Uncertain significance. Review status: criteria provided, single submitter (1 of 4 stars). 2 submissions from 2 submitters: Uncertain significance (1). 1 of the submissions does not count toward it. Last evaluated 2018-01-13.

Conditions:
Malignant tumor of urinary bladder. Also called: Urinary bladder cancer; Urinary Bladder Neoplasms; Bladder cancer. Identifiers: MedGen C0005684, MONDO:0001187, OMIM 109800.
Ataxia-telangiectasia-like disorder 1 (ATLD1). Identifiers: Orphanet 251347, MedGen C4012790, MONDO:0024557, OMIM 604391.

Allele frequency attached by ClinVar (database versions not stated): gnomAD 0.00006; gnomAD exomes 0.00007; TOPMed 0.00010.
gnomAD v4.1: 14 of 232,508 alleles (0.006%); highest among the groups gnomAD compares: Non-Finnish European, 0.012%; no homozygotes.

Submissions (2):

Illumina Laboratory Services, Illumina
Classification: Uncertain significance for Ataxia-telangiectasia-like disorder 1. Last evaluated: 2018-01-13. Review status: criteria provided, single submitter. Criteria: ICSL Variant Classification Criteria 13 December 2019. Collection method: clinical testing. Allele origin: germline.

Gray Institute for Radiation Oncology & Biology, University of Oxford
Classification: other. Review status: no assertion criteria provided. Collection method: not provided. Allele origin: germline. Not counted in ClinVar's aggregate classification.
Comment: Detected by next-generation sequencing & confirmed by Sanger sequencing. Associated with survival following radical radiotherapy

NM_005591.4(MRE11):c.*570A>C

Gene: MRE11 (MRE11 double strand break repair nuclease; minus strand). Cytogenetic location: 11q21.
Variant type: single nucleotide variant.
Coding change: c.*570A>C on transcript NM_005591.4 (MANE Select); 570 bases downstream of the stop codon, A replaced by C.
Molecular consequence: 3 prime UTR variant.
Genome position (GRCh38, 1-based): chr11:94,419,555, T>G on the plus strand (A>C on the coding strand, the complement: MRE11 is on the minus strand). VCF-style: chr11-94419555-T-G. GRCh37 (hg19) VCF-style: chr11-94152721-T-G.
Other names: c.*570A>C (NM_001330347.2, NM_005590.4).
Identifiers: ClinVar variation 60641 (VCV000060641.5), dbSNP rs397509346, ClinGen allele CA144579.